The following is an entry in ClinVar:

NM_001257180.2(SLC20A2):c.541C>G (p.Arg181Gly)

Gene: SLC20A2 (solute carrier family 20 member 2; minus strand). Cytogenetic location: 8p11.21.
Variant type: single nucleotide variant.
Coding change: c.541C>G on transcript NM_001257180.2 (MANE Select); coding-DNA position 541, C replaced by G.
Protein change: p.Arg181Gly; replaces arginine 181 with glycine.
Molecular consequence: missense variant.
Genome position (GRCh38, 1-based): chr8:42,459,968, G>C on the plus strand (C>G on the coding strand, the complement: SLC20A2 is on the minus strand). VCF-style: chr8-42459968-G-C. GRCh37 (hg19) VCF-style: chr8-42317486-G-C.
Other names: c.541C>G, p.Arg181Gly (NM_001257181.2, NM_006749.5); short protein forms R181G.
Identifiers: ClinVar variation 5018094 (VCV005018094.1).

ClinVar aggregate classification (germline): Uncertain significance (1 of 4 stars; one submission).

Submission:

GeneDx
Classification: Uncertain significance. Last evaluated: 2026-03-31. Review status: criteria provided, single submitter. Criteria: GeneDx Variant Classification Process June 2021. Collection method: clinical testing. Allele origin: germline.
Comment: Not observed at significant frequency in large population cohorts (gnomAD); In silico analysis supports that this missense variant has a deleterious effect on protein structure/function; Has not been previously published as pathogenic or benign to our knowledge